The following is an entry in ClinVar:

ClinVar aggregate classification (germline): Benign/Likely benign. Review status: criteria provided, multiple submitters, no conflicts (2 of 4 stars). 6 submissions from 6 submitters: Benign (3); Likely benign (2). 1 of the submissions does not count toward it. Last evaluated 2026-01-15.

Conditions:
PDE3A-related disorder. Also called: PDE3A-related condition.
Brachydactyly-arterial hypertension syndrome. Also called: BILGINTURAN SYNDROME. Identifiers: Orphanet 1276, MedGen C1862170, MONDO:0007211, OMIM 112410.

Allele frequency attached by ClinVar (database versions not stated): 1000 Genomes Project 0.00040; 1000 Genomes Project 30x 0.00047; gnomAD exomes 0.00146 and 0.00255; gnomAD 0.00147 and 0.00148; ExAC 0.00157; TOPMed 0.00171; ESP Exome Variant Server 0.00200.
gnomAD v4.1: 3,924 of 1,613,874 alleles (0.24%); highest among the groups gnomAD compares: Non-Finnish European, 0.31%; 4 homozygotes.

Submissions (6):

Labcorp Genetics (formerly Invitae), Labcorp
Classification: Benign. Last evaluated: 2026-01-15. Review status: criteria provided, single submitter. Criteria: Invitae Variant Classification Sherloc (09022015). Collection method: clinical testing. Allele origin: germline.

CeGaT Center for Human Genetics Tuebingen
Classification: Benign. Last evaluated: 2025-07-01. Review status: criteria provided, single submitter. Criteria: CeGaT Center For Human Genetics Tuebingen Variant Classification Criteria Version 2. Collection method: clinical testing. Allele origin: germline. Affected: yes. Observed: 3 variant alleles.
Comment: PDE3A: BS1, BS2

Blueprint Genetics
Classification: Likely benign. Last evaluated: 2024-11-25. Review status: criteria provided, single submitter. Criteria: ACMG Guidelines, 2015. Collection method: clinical testing. Allele origin: germline.

Fulgent Genetics
Classification: Likely benign for Brachydactyly-arterial hypertension syndrome. Last evaluated: 2021-07-19. Review status: criteria provided, single submitter. Criteria: ACMG Guidelines, 2015. Collection method: clinical testing. Allele origin: unknown.

Breakthrough Genomics
Classification: Benign. Review status: criteria provided, single submitter. Criteria: ACMG Guidelines, 2015. Collection method: not provided. Allele origin: germline. Inheritance: Autosomal dominant inheritance. Affected: yes.

PreventionGenetics, part of Exact Sciences
Classification: Likely benign for PDE3A-related condition. Last evaluated: 2022-04-14. Review status: no assertion criteria provided. Collection method: clinical testing. Allele origin: germline. Not counted in ClinVar's aggregate classification.
Comment: This variant is classified as likely benign based on ACMG/AMP sequence variant interpretation guidelines (Richards et al. 2015 PMID: 25741868, with internal and published modifications).

NM_000921.5(PDE3A):c.1376G>A (p.Arg459Gln)

Gene: PDE3A (phosphodiesterase 3A; plus strand). Cytogenetic location: 12p12.2.
Variant type: single nucleotide variant.
Coding change: c.1376G>A on transcript NM_000921.5 (MANE Select); coding-DNA position 1376, G replaced by A.
Protein change: p.Arg459Gln; replaces arginine 459 with glutamine.
Molecular consequence: missense variant.
Genome position (GRCh38, 1-based): chr12:20,616,336, G>A. VCF-style: chr12-20616336-G-A. GRCh37 (hg19) VCF-style: chr12-20769270-G-A.
Other names: c.410G>A, p.Arg137Gln (NM_001244683.2, NM_001378409.1); c.1376G>A, p.Arg459Gln (NM_001378407.1); c.413G>A, p.Arg138Gln (NM_001378408.1); short protein forms R137Q, R459Q, R138Q.
Identifiers: ClinVar variation 725921 (VCV000725921.36), dbSNP rs141325069, ClinGen allele CA6473724.